The following is an entry in ClinVar:

GRCh37/hg19 16q13-21(chr16:56950941-60203590)x1

Genes: ADGRG1 (adhesion G protein-coupled receptor G1; plus strand), ADGRG3 (adhesion G protein-coupled receptor G3; plus strand), ADGRG5 (adhesion G protein-coupled receptor G5; plus strand), ARL2BP (ARF like GTPase 2 binding protein; plus strand), CCDC102A (coiled-coil domain containing 102A; minus strand) and 32 more. Cytogenetic location: 16q13-21.
Variant type: copy number loss.
Change: copy number 1 (one copy instead of two) of chr16:56,950,941-60,203,590 (3.25 Mb, GRCh37 coordinates, 1-based), cytogenetic band 16q13-21.
Identifiers: ClinVar variation 564334 (VCV000564334.2).

ClinVar aggregate classification (germline): Pathogenic (1 of 4 stars; one submission).

Submission:

Quest Diagnostics Nichols Institute San Juan Capistrano
Classification: Pathogenic. Last evaluated: 2021-10-21. Review status: criteria provided, single submitter. Criteria: ACMG/ClinGen CNV Guidelines, 2019. Collection method: clinical testing. Allele origin: unknown.
Comment: The copy number loss of 16q13q21 is expected to cause phenotypic and/or developmental abnormalities. It involves multiple protein coding genes that are associated with autosomal recessive disorders and autosomal dominant disorders, including CETP and CNOT1. Heterozygous sequence variants of CETP are associated with autosomal dominant hyperalphalipoproteinemia (OMIM 143470). Heterozygous sequence variants of CNOT1 are associated with autosomal dominant holoprosencephaly-12 with or without pancreatic agenesis (OMIM 618500) and Vissers-Bodmer syndrome (OMIM 619033). Further, larger overlapping deletions have been reported in patients with neurodevelopmental delays and bilateral frontoparietal polymicrogyria (Vissers 2020, Borgatti 2009). References Borgatti et al., Clin Genet. 2009 Dec;76(6):573-6. PMID: 19807741 Vissers et al., Am J Hum Genet. 2020 Jul 2;107(1):164-172. PMID: 32553196